The following is an entry in ClinVar:

ClinVar aggregate classification (germline): Pathogenic (1 of 4 stars; one submission).

Conditions:
Joubert syndrome. Also called: CEREBELLOPARENCHYMAL DISORDER IV; JOUBERT-BOLTSHAUSER SYNDROME; Familial aplasia of the vermis. Identifiers: Orphanet 475, MedGen C5979921, MONDO:0018772.
Nephronophthisis. Also called: Juvenile Nephronophthisis. Identifiers: Orphanet 655, MedGen C0687120, MONDO:0019005, HP:0000090.
Meckel-Gruber syndrome. Also called: DYSENCEPHALIA SPLANCHNOCYSTICA; GRUBER SYNDROME; Dysencephalia splachnocystica. Identifiers: Orphanet 564, MedGen C0265215, MONDO:0018921.

gnomAD v4.1: 2 of 1,599,420 alleles (0.00013%); highest among the groups gnomAD compares: South Asian, 0.0011%; no homozygotes.

Submission:

Labcorp Genetics (formerly Invitae), Labcorp
Classification: Pathogenic for Joubert syndrome; Meckel-Gruber syndrome; Nephronophthisis. Last evaluated: 2024-02-29. Review status: criteria provided, single submitter. Criteria: Invitae Variant Classification Sherloc (09022015). Collection method: clinical testing. Allele origin: germline.
Comment: This sequence change affects an acceptor splice site in intron 24 of the CEP290 gene. It is expected to disrupt RNA splicing. Variants that disrupt the donor or acceptor splice site typically lead to a loss of protein function (PMID: 16199547), and loss-of-function variants in CEP290 are known to be pathogenic (PMID: 16909394, 17345604, 20690115). The frequency data for this variant in the population databases is considered unreliable, as metrics indicate poor data quality at this position in the gnomAD database. Disruption of this splice site has been observed in individual(s) with clinical features of CEP290-related conditions (PMID: 25097241, 32619255). In at least one individual the data is consistent with being in trans (on the opposite chromosome) from a pathogenic variant. Algorithms developed to predict the effect of sequence changes on RNA splicing suggest that this variant may disrupt the consensus splice site. For these reasons, this variant has been classified as Pathogenic.

Literature cited by the submitters: PubMed 16199547; PubMed 16909394; PubMed 17345604; PubMed 20690115; PubMed 25097241; PubMed 32619255.

NM_025114.4(CEP290):c.2587-2A>G

Gene: CEP290 (centrosomal protein 290; minus strand). Cytogenetic location: 12q21.32.
Variant type: single nucleotide variant.
Coding change: c.2587-2A>G on transcript NM_025114.4 (MANE Select); the canonical splice acceptor site of the intron before coding-DNA position 2587, A replaced by G.
Molecular consequence: splice acceptor variant.
Genome position (GRCh38, 1-based): chr12:88,106,907, T>C on the plus strand (A>G on the coding strand, the complement: CEP290 is on the minus strand). VCF-style: chr12-88106907-T-C. GRCh37 (hg19) VCF-style: chr12-88500684-T-C.
Identifiers: ClinVar variation 3759172 (VCV003759172.2).
Genomic context (GRCh38, chr12:88,106,907, plus strand): 5'-TTTTCTGCAAGTATTTTTTTCATTTCATCCGAATCCATCTGAAGAGCATTGAGCAAATTC[T>C]GCACAAAGACACATCCATATTACTTGTTGAATCTAGCTATCCTACTTTGTACAATATTGC-3'